The following is an entry in ClinVar:

ClinVar aggregate classification (germline): other (0 of 4 stars; one submission).

Conditions:
Familial colorectal cancer. Identifiers: MedGen CN280943, MONDO:0023113. Disease mechanism: loss of function.

Submission:

Systems Biology Platform Zhejiang California International NanoSystems Institute
Classification: other for Familial colorectal cancer. Review status: no assertion criteria provided. Collection method: not provided. Allele origin: unknown.
ClinVar note: Converted during submission from cancer to other.

NM_001127511.3(APC):c.165+27024T>G

Gene: APC (APC regulator of Wnt signaling pathway; plus strand). Cytogenetic location: 5q22.2.
Variant type: single nucleotide variant.
Coding change: c.165+27024T>G on transcript NM_001127511.3; 27024 bases into the intron after coding-DNA position 165, T replaced by G.
Molecular consequence: intron variant.
Genome position (GRCh38, 1-based): chr5:112,734,906, T>G. VCF-style: chr5-112734906-T-G. GRCh37 (hg19) VCF-style: chr5-112070603-T-G.
Other names: c.-1053-19967T>G (NM_001407470.1, NM_001407472.1); c.-18-19967T>G (NM_001407447.1, NM_001354895.2, NM_001407456.1 and 7 more transcripts); c.165+27024T>G (NM_001407446.1, NM_001354897.2, NM_001354902.2); c.-43+27257T>G (NM_001407453.1).
Identifiers: ClinVar variation 82319 (VCV000082319.4), dbSNP rs79944732, ClinGen allele CA023606.
Genomic context (GRCh38, chr5:112,734,906, plus strand): 5'-AGTGGTGTGATCTCGGCTCACTGCAGCCCCCACCTCCCAGGTCCAAGAGATTCTCATGCC[T>G]CAGCCTCCCAAGTAGCTGGGGAATGTAATATTTAAGACATTAAGAATCCTATTAATCCTA-3'